The following is an entry in ClinVar:

ClinVar aggregate classification (germline): Uncertain significance (1 of 4 stars; one submission).

Allele frequency attached by ClinVar (database versions not stated): gnomAD exomes below 0.00001; gnomAD 0.00001.
gnomAD v4.1: 5 of 1,598,088 alleles (0.00031%); highest among the groups gnomAD compares: Non-Finnish European, 0.00043%; no homozygotes.

Submission:

Labcorp Genetics (formerly Invitae), Labcorp
Classification: Uncertain significance. Last evaluated: 2024-05-21. Review status: criteria provided, single submitter. Criteria: Invitae Variant Classification Sherloc (09022015). Collection method: clinical testing. Allele origin: germline.
Comment: This sequence change falls in intron 16 of the KIAA1549 gene. It does not directly change the encoded amino acid sequence of the KIAA1549 protein. It affects a nucleotide within the consensus splice site. This variant is present in population databases (no rsID available, gnomAD 0.007%). This variant has not been reported in the literature in individuals affected with KIAA1549-related conditions. ClinVar contains an entry for this variant (Variation ID: 1060778). Variants that disrupt the consensus splice site are a relatively common cause of aberrant splicing (PMID: 17576681, 9536098). Algorithms developed to predict the effect of sequence changes on RNA splicing suggest that this variant is not likely to affect RNA splicing. In summary, the available evidence is currently insufficient to determine the role of this variant in disease. Therefore, it has been classified as a Variant of Uncertain Significance.

Literature cited by the submitters: PubMed 17576681; PubMed 9536098.

NM_001164665.2(KIAA1549):c.5248-3C>T

Gene: KIAA1549 (KIAA1549; minus strand). Cytogenetic location: 7q34.
Variant type: single nucleotide variant.
Coding change: c.5248-3C>T on transcript NM_001164665.2 (MANE Select); 3 bases into the intron before coding-DNA position 5248, C replaced by T.
Molecular consequence: intron variant.
Genome position (GRCh38, 1-based): chr7:138,852,272, G>A on the plus strand (C>T on the coding strand, the complement: KIAA1549 is on the minus strand). VCF-style: chr7-138852272-G-A. GRCh37 (hg19) VCF-style: chr7-138537018-G-A.
Other names: c.5248-3C>T (NM_020910.3).
Identifiers: ClinVar variation 1060778 (VCV001060778.7), dbSNP rs1232105574, ClinGen allele CA578197072.